The following is an entry in ClinVar:

ClinVar aggregate classification (germline): Conflicting classifications of pathogenicity. Review status: criteria provided, conflicting classifications (1 of 4 stars). 5 submissions from 5 submitters: Uncertain significance (1); Benign (1); Likely benign (3). Last evaluated 2025-10-01.

Conditions:
Hereditary cancer-predisposing syndrome. Also called: Hereditary Cancer Syndrome; Tumor predisposition; Hereditary neoplastic syndrome; Neoplastic Syndromes, Hereditary. Identifiers: Orphanet 140162, MedGen C0027672, MeSH D009386, MONDO:0015356.
Tuberous sclerosis 2 (TSC2). Identifiers: Orphanet 805, MedGen C1860707, MONDO:0013199, OMIM 613254.

Allele frequency attached by ClinVar (database versions not stated): gnomAD exomes below 0.00001.
gnomAD v4.1: 1 of 1,609,360 alleles (0.000062%); highest among the groups gnomAD compares: Admixed American, 0.0017%; no homozygotes.

Submissions (5):

CeGaT Center for Human Genetics Tuebingen
Classification: Likely benign. Last evaluated: 2025-10-01. Review status: criteria provided, single submitter. Criteria: CeGaT Center For Human Genetics Tuebingen Variant Classification Criteria Version 2. Collection method: clinical testing. Allele origin: germline. Affected: yes. Observed: 1 variant allele.
Comment: TSC2: BP4, BP7

GeneDx
Classification: Uncertain significance. Last evaluated: 2025-08-04. Review status: criteria provided, single submitter. Criteria: GeneDx Variant Classification Process June 2021. Collection method: clinical testing. Allele origin: germline. Affected: yes.
Comment: In silico analysis suggests that this variant does not alter splicing; Has not been previously published as pathogenic or benign to our knowledge

Myriad Genetics, Inc.
Classification: Benign for Tuberous sclerosis 2. Last evaluated: 2025-06-09. Review status: criteria provided, single submitter. Criteria: Myriad Autosomal Dominant, Autosomal Recessive and X-Linked Classification Criteria (2023). Collection method: clinical testing. Allele origin: unknown.
Comment: This variant is considered benign. This variant is a silent/synonymous amino acid change and it is not expected to impact splicing.

Labcorp Genetics (formerly Invitae), Labcorp
Classification: Likely benign for Tuberous sclerosis 2. Last evaluated: 2025-01-23. Review status: criteria provided, single submitter. Criteria: Invitae Variant Classification Sherloc (09022015). Collection method: clinical testing. Allele origin: germline.

Ambry Genetics
Classification: Likely benign for Hereditary cancer-predisposing syndrome. Last evaluated: 2024-09-12. Review status: criteria provided, single submitter. Criteria: Ambry Variant Classification Scheme 2023. Collection method: clinical testing. Allele origin: germline.

NM_000548.5(TSC2):c.5388C>T (p.Leu1796=)

Gene: TSC2 (TSC complex subunit 2; plus strand). Cytogenetic location: 16p13.3.
Variant type: single nucleotide variant.
Coding change: c.5388C>T on transcript NM_000548.5 (MANE Select); coding-DNA position 5388, C replaced by T.
Protein change: p.Leu1796=; no amino-acid change (leucine 1796 retained).
Molecular consequence: synonymous variant.
Genome position (GRCh38, 1-based): chr16:2,088,574, C>T. VCF-style: chr16-2088574-C-T. GRCh37 (hg19) VCF-style: chr16-2138575-C-T.
Other names: c.5187C>T, p.Leu1729= (NM_001077183.3); c.5319C>T, p.Leu1773= (NM_001114382.3); c.5079C>T, p.Leu1693= (NM_001318827.2); c.5043C>T, p.Leu1681= (NM_001318829.2); c.4656C>T, p.Leu1552= (NM_001318831.2); c.5220C>T, p.Leu1740= (NM_001318832.2); c.5190C>T, p.Leu1730= (NM_001363528.2); c.5256C>T, p.Leu1752= (NM_001370404.1); and 2 more.
Identifiers: ClinVar variation 771680 (VCV000771680.19), dbSNP rs1412229429, ClinGen allele CA493043795.